The following is an entry in ClinVar:

NM_000424.4(KRT5):c.794G>C (p.Arg265Pro)

Gene: KRT5 (keratin 5; minus strand). Cytogenetic location: 12q13.13.
Variant type: single nucleotide variant.
Coding change: c.794G>C on transcript NM_000424.4 (MANE Select); coding-DNA position 794, G replaced by C.
Protein change: p.Arg265Pro; replaces arginine 265 with proline.
Molecular consequence: missense variant.
Genome position (GRCh38, 1-based): chr12:52,518,140, C>G on the plus strand (G>C on the coding strand, the complement: KRT5 is on the minus strand). VCF-style: chr12-52518140-C-G. GRCh37 (hg19) VCF-style: chr12-52911924-C-G.
Other names: short protein forms R265P.
Identifiers: ClinVar variation 66284 (VCV000066284.3), dbSNP rs201583229, ClinGen allele CA216793.
Genomic context (GRCh38, chr12:52,518,140, plus strand): 5'-GGTTCTCTCCCACCCACACGCACCTTCTTCAGCATCACAAACTCATTCTCAGCAGTGGTA[C>G]GCTTGTTGATTTCATCCTCATACCTGGTGGTGAAAGGGATGGGAAGTGTTTGTCAGAGGA-3'
Protein context (NP_000415.2, residues 255-275): KNKYEDEINK[Arg265Pro]TTAENEFVML

ClinVar aggregate classification (germline): Likely pathogenic. Review status: criteria provided, single submitter (1 of 4 stars). 2 submissions from 2 submitters: Likely pathogenic (1). 1 of the submissions does not count toward it. Last evaluated 2026-08-25.

Conditions:
Epidermolysis bullosa simplex 2C, localized (EBS2C). Also called: Epidermolysis bullosa simplex 2C, Weber-Cockayne type. Identifiers: MedGen C5562011, MONDO:0030527, OMIM 619594.

Submissions (2):

MVZ Medizinische Genetik Mainz
Classification: Likely pathogenic for Epidermolysis bullosa simplex 2C, localized. Last evaluated: 2026-08-25. Review status: criteria provided, single submitter. Criteria: UK Practice Guidelines For Variant Classification V4 01 2020. Collection method: clinical testing. Allele origin: germline. Inheritance: Autosomal dominant inheritance. Affected: yes. Observed: 1 variant allele.
Comment: ACMG Criteria: PP3_MOD,PS4_SUP,PM2_SUP,PP4

Epithelial Biology;  Institute of Medical Biology, Singapore
No classification provided. Review status: no classification provided. Collection method: not provided. Allele origin: not provided. Not counted in ClinVar's aggregate classification.